The following is an entry in ClinVar:

NM_025099.6(CTC1):c.2527C>A (p.Leu843Met)

Gene: CTC1 (CST telomere replication complex component 1; minus strand). Cytogenetic location: 17p13.1.
Variant type: single nucleotide variant.
Coding change: c.2527C>A on transcript NM_025099.6 (MANE Select); coding-DNA position 2527, C replaced by A.
Protein change: p.Leu843Met; replaces leucine 843 with methionine.
Molecular consequence: missense variant. On other transcripts: non-coding transcript variant (1).
Genome position (GRCh38, 1-based): chr17:8,231,418, G>T on the plus strand (C>A on the coding strand, the complement: CTC1 is on the minus strand). VCF-style: chr17-8231418-G-T. GRCh37 (hg19) VCF-style: chr17-8134736-G-T.
Other names: c.2527C>A, p.Leu843Met (NM_001411067.1); short protein forms L843M.
Identifiers: ClinVar variation 3651024 (VCV003651024.2).

ClinVar aggregate classification (germline): Uncertain significance (1 of 4 stars; one submission).

Conditions:
Dyskeratosis congenita. Identifiers: Orphanet 1775, MedGen C0265965, MONDO:0015780.

Submission:

Labcorp Genetics (formerly Invitae), Labcorp
Classification: Uncertain significance for Dyskeratosis congenita. Last evaluated: 2024-04-25. Review status: criteria provided, single submitter. Criteria: Invitae Variant Classification Sherloc (09022015). Collection method: clinical testing. Allele origin: germline.
Comment: This sequence change replaces leucine, which is neutral and non-polar, with methionine, which is neutral and non-polar, at codon 843 of the CTC1 protein (p.Leu843Met). This variant is not present in population databases (gnomAD no frequency). This variant has not been reported in the literature in individuals affected with CTC1-related conditions. Advanced modeling of protein sequence and biophysical properties (such as structural, functional, and spatial information, amino acid conservation, physicochemical variation, residue mobility, and thermodynamic stability) has been performed at Invitae for this missense variant, however the output from this modeling did not meet the statistical confidence thresholds required to predict the impact of this variant on CTC1 protein function. In summary, the available evidence is currently insufficient to determine the role of this variant in disease. Therefore, it has been classified as a Variant of Uncertain Significance.